The following is an entry in ClinVar:

ClinVar aggregate classification (germline): Likely benign. Review status: criteria provided, multiple submitters, no conflicts (2 of 4 stars). 2 submissions from 2 submitters: Likely benign (2). Last evaluated 2026-05-08.

Conditions:
TTN-related disorder. Also called: TTN-related condition; TTN-related disease; TTN-related disorders.
Autosomal recessive limb-girdle muscular dystrophy type 2J (LGMDR10). Also called: Limb-girdle muscular dystrophy, type 2J; MUSCULAR DYSTROPHY, LIMB-GIRDLE, AUTOSOMAL RECESSIVE 10. Identifiers: Orphanet 140922, MedGen C1837342, MONDO:0012127, OMIM 608807.
Dilated cardiomyopathy 1G (CMD1G). Identifiers: Orphanet 154, MedGen C1858763, MONDO:0011400, OMIM 604145.

Allele frequency attached by ClinVar (database versions not stated): gnomAD exomes below 0.00001; gnomAD 0.00001; TOPMed 0.00002.
gnomAD v4.1: 2 of 1,612,518 alleles (0.00012%); highest among the groups gnomAD compares: African/African-American, 0.0027%; no homozygotes.

Submissions (2):

PreventionGenetics, part of Exact Sciences
Classification: Likely benign for TTN-related condition. Last evaluated: 2026-05-08. Review status: criteria provided, single submitter. Criteria: ACMG Guidelines, 2015. Collection method: clinical testing. Allele origin: germline.
Comment: This variant is classified as likely benign based on ACMG/AMP sequence variant interpretation guidelines (Richards et al. 2015 PMID: 25741868, with internal and published modifications).

Labcorp Genetics (formerly Invitae), Labcorp
Classification: Likely benign for Dilated cardiomyopathy 1G; Autosomal recessive limb-girdle muscular dystrophy type 2J. Last evaluated: 2025-10-14. Review status: criteria provided, single submitter. Criteria: Invitae Variant Classification Sherloc (09022015). Collection method: clinical testing. Allele origin: germline.

NM_001267550.2(TTN):c.49119C>T (p.Asn16373=)

Genes: TTN-AS1 (TTN antisense RNA 1; plus strand), TTN (titin; minus strand), LOC126806426 (BRD4-independent group 4 enhancer GRCh37_chr2:179478848-179480047; plus strand). Cytogenetic location: 2q31.2.
Variant type: single nucleotide variant.
Coding change: c.49119C>T on transcript NM_001267550.2 (MANE Select); coding-DNA position 49119, C replaced by T.
Protein change: p.Asn16373=; no amino-acid change (asparagine 16373 retained).
Molecular consequence: synonymous variant. On other transcripts: non-coding transcript variant (1).
Genome position (GRCh38, 1-based): chr2:178,614,278, G>A on the plus strand (C>T on the coding strand, the complement: TTN is on the minus strand). VCF-style: chr2-178614278-G-A. GRCh37 (hg19) VCF-style: chr2-179479005-G-A.
Other names: c.44196C>T, p.Asn14732= (NM_001256850.1); c.21924C>T, p.Asn7308= (NM_003319.4); c.41415C>T, p.Asn13805= (NM_133378.4); c.22299C>T, p.Asn7433= (NM_133432.3); c.22500C>T, p.Asn7500= (NM_133437.4).
Identifiers: ClinVar variation 704822 (VCV000704822.12), dbSNP rs1576457751, ClinGen allele CA430273694.